The following is an entry in ClinVar:

NM_000051.4(ATM):c.7319A>T (p.Lys2440Met)

Genes: ATM (ATM serine/threonine kinase; plus strand), C11orf65 (chromosome 11 open reading frame 65; minus strand). Cytogenetic location: 11q22.3.
Variant type: single nucleotide variant.
Coding change: c.7319A>T on transcript NM_000051.4 (MANE Select); coding-DNA position 7319, A replaced by T.
Protein change: p.Lys2440Met; replaces lysine 2440 with methionine.
Molecular consequence: missense variant. On other transcripts: intron variant (2).
Genome position (GRCh38, 1-based): chr11:108,330,225, A>T. VCF-style: chr11-108330225-A-T. GRCh37 (hg19) VCF-style: chr11-108200952-A-T.
Other names: c.7319A>T, p.Lys2440Met (NM_001351834.2); c.641-21154T>A (NM_001330368.2); c.*38+4995T>A (NM_001351110.2); short protein forms K2440M.
Identifiers: ClinVar variation 3967688 (VCV003967688.1).
Genomic context (GRCh38, chr11:108,330,225, plus strand): 5'-CTGTTAAAGTTCATGGCTTTTGTGTTTTACCTTAATTATTCTATGCAAGATACACAGTAA[A>T]GGTTCAGCGAGAGCTGGAGTTGGATGAATTAGCCCTGCGTGCACTGAAAGAGGATCGTAA-3'
Protein context (NP_000042.3, residues 2430-2450): HKIQTNRYTV[Lys2440Met]VQRELELDEL

ClinVar aggregate classification (germline): Uncertain significance (1 of 4 stars; one submission).

Conditions:
Hereditary cancer-predisposing syndrome. Also called: Neoplastic Syndromes, Hereditary; Tumor predisposition; Hereditary Cancer Syndrome; Hereditary neoplastic syndrome. Identifiers: Orphanet 140162, MedGen C0027672, MeSH D009386, MONDO:0015356.

Submission:

Ambry Genetics
Classification: Uncertain significance for Hereditary cancer-predisposing syndrome. Last evaluated: 2025-06-14. Review status: criteria provided, single submitter. Criteria: Ambry Variant Classification Scheme 2023. Collection method: clinical testing. Allele origin: germline.
Comment: The p.K2440M variant (also known as c.7319A>T), located in coding exon 49 of the ATM gene, results from an A to T substitution at nucleotide position 7319. The lysine at codon 2440 is replaced by methionine, an amino acid with similar properties. This amino acid position is conserved. In addition, this alteration is predicted to be deleterious by in silico analysis. Based on the available evidence, the clinical significance of this variant remains unclear.